The following is an entry in ClinVar:

NM_001199138.2(NLRC4):c.1444G>C (p.Asp482His)

Gene: NLRC4 (NLR family CARD domain containing 4; minus strand). Cytogenetic location: 2p22.3.
Variant type: single nucleotide variant.
Coding change: c.1444G>C on transcript NM_001199138.2 (MANE Select); coding-DNA position 1444, G replaced by C.
Protein change: p.Asp482His; replaces aspartic acid 482 with histidine.
Molecular consequence: missense variant. On other transcripts: intron variant (1).
Genome position (GRCh38, 1-based): chr2:32,250,420, C>G on the plus strand (G>C on the coding strand, the complement: NLRC4 is on the minus strand). VCF-style: chr2-32250420-C-G. GRCh37 (hg19) VCF-style: chr2-32475489-C-G.
Other names: c.262+1999G>C (NM_001302504.1); c.1444G>C, p.Asp482His (NM_001199139.2, NM_021209.5); short protein forms D482H.
Identifiers: ClinVar variation 2954048 (VCV002954048.3), dbSNP rs2466759716, ClinGen allele CA346512448.

ClinVar aggregate classification (germline): Uncertain significance (1 of 4 stars; one submission).

Conditions:
Periodic fever-infantile enterocolitis-autoinflammatory syndrome. Also called: Autoinflammation with infantile enterocolitis. Identifiers: Orphanet 436166, MedGen C4015067, MONDO:0014472, OMIM 616050.
Familial cold autoinflammatory syndrome 4 (FCAS4). Identifiers: Orphanet 47045, Orphanet 576349, MedGen C4015276, MONDO:0014498, OMIM 616115.

Submission:

Labcorp Genetics (formerly Invitae), Labcorp
Classification: Uncertain significance for Periodic fever-infantile enterocolitis-autoinflammatory syndrome; Familial cold autoinflammatory syndrome 4. Last evaluated: 2023-11-19. Review status: criteria provided, single submitter. Criteria: Invitae Variant Classification Sherloc (09022015). Collection method: clinical testing. Allele origin: germline.
Comment: This sequence change replaces aspartic acid, which is acidic and polar, with histidine, which is basic and polar, at codon 482 of the NLRC4 protein (p.Asp482His). This variant is not present in population databases (gnomAD no frequency). This variant has not been reported in the literature in individuals affected with NLRC4-related conditions. Advanced modeling of protein sequence and biophysical properties (such as structural, functional, and spatial information, amino acid conservation, physicochemical variation, residue mobility, and thermodynamic stability) performed at Invitae indicates that this missense variant is expected to disrupt NLRC4 protein function with a positive predictive value of 80%. In summary, the available evidence is currently insufficient to determine the role of this variant in disease. Therefore, it has been classified as a Variant of Uncertain Significance.